The following is an entry in ClinVar:

ClinVar aggregate classification (germline): Uncertain significance. Review status: criteria provided, multiple submitters, no conflicts (2 of 4 stars). 3 submissions from 3 submitters: Uncertain significance (2). 1 of the submissions does not count toward it. Last evaluated 2025-10-14.

Conditions:
Cohen syndrome (COH1). Also called: PEPPER SYNDROME; Cutis verticis gyrata, retinitis pigmentosa, and sensorineural deafness. Identifiers: Orphanet 193, MedGen C0265223, MONDO:0008999, OMIM 216550.
VPS13B-related disorder. Also called: VPS13B-related condition.

Allele frequency attached by ClinVar (database versions not stated): gnomAD exomes 0.00001 and 0.00004; TOPMed 0.00001; ExAC 0.00003.
gnomAD v4.1: 11 of 1,605,570 alleles (0.00069%); highest among the groups gnomAD compares: East Asian, 0.016%; no homozygotes.

Submissions (3):

PreventionGenetics, part of Exact Sciences
Classification: Uncertain significance for VPS13B-related condition. Last evaluated: 2025-10-14. Review status: criteria provided, single submitter. Criteria: ACMG Guidelines, 2015. Collection method: clinical testing. Allele origin: germline.
Comment: The VPS13B c.2673G>T variant is predicted to result in the amino acid substitution p.Leu891Phe. To our knowledge, this variant has not been reported in the literature. This variant is reported in 0.050% of alleles in individuals of East Asian descent in gnomAD. At this time, the clinical significance of this variant is uncertain due to the absence of conclusive functional and genetic evidence.

Labcorp Genetics (formerly Invitae), Labcorp
Classification: Uncertain significance for Cohen syndrome. Last evaluated: 2024-11-07. Review status: criteria provided, single submitter. Criteria: Invitae Variant Classification Sherloc (09022015). Collection method: clinical testing. Allele origin: germline.
Comment: This sequence change replaces leucine, which is neutral and non-polar, with phenylalanine, which is neutral and non-polar, at codon 891 of the VPS13B protein (p.Leu891Phe). This variant is present in population databases (rs770484465, gnomAD 0.05%). This variant has not been reported in the literature in individuals affected with VPS13B-related conditions. ClinVar contains an entry for this variant (Variation ID: 528844). Invitae Evidence Modeling of protein sequence and biophysical properties (such as structural, functional, and spatial information, amino acid conservation, physicochemical variation, residue mobility, and thermodynamic stability) indicates that this missense variant is expected to disrupt VPS13B protein function with a positive predictive value of 80%. In summary, the available evidence is currently insufficient to determine the role of this variant in disease. Therefore, it has been classified as a Variant of Uncertain Significance.

Natera, Inc.
Classification: Uncertain significance for Cohen syndrome. Last evaluated: 2019-11-11. Review status: no assertion criteria provided. Collection method: clinical testing. Allele origin: germline. Not counted in ClinVar's aggregate classification.

NM_152564.5(VPS13B):c.2673G>T (p.Leu891Phe)

Gene: VPS13B (vacuolar protein sorting 13 homolog B; plus strand). Cytogenetic location: 8q22.2.
Variant type: single nucleotide variant.
Coding change: c.2673G>T on transcript NM_152564.5 (MANE Select); coding-DNA position 2673, G replaced by T.
Protein change: p.Leu891Phe; replaces leucine 891 with phenylalanine.
Molecular consequence: missense variant.
Genome position (GRCh38, 1-based): chr8:99,275,103, G>T. VCF-style: chr8-99275103-G-T. GRCh37 (hg19) VCF-style: chr8-100287331-G-T.
Other names: c.2673G>T (NM_152564.4); c.2673G>T, p.Leu891Phe (NM_017890.5); short protein forms L891F.
Identifiers: ClinVar variation 528844 (VCV000528844.9), dbSNP rs770484465, ClinGen allele CA4823001.